The following is an entry in ClinVar:

ClinVar aggregate classification (germline): Pathogenic. Review status: criteria provided, multiple submitters, no conflicts (2 of 4 stars). 5 submissions from 5 submitters: Pathogenic (4). 1 of the submissions does not count toward it. Last evaluated 2024-12-31.

Conditions:
DNAH5-related disorders.
Primary ciliary dyskinesia 3. Identifiers: Orphanet 244, MedGen C1837618, MONDO:0012085, OMIM 608644.
Primary ciliary dyskinesia. Also called: Ciliary dyskinesia. Identifiers: Orphanet 244, MedGen C0008780, MONDO:0016575, HP:0012265.

Submissions (5):

Natera, Inc.
Classification: Pathogenic for Primary ciliary dyskinesia. Last evaluated: 2024-12-31. Review status: criteria provided, single submitter. Criteria: Natera Variant Classification Schema (03/2026). Collection method: clinical testing. Allele origin: germline.
Comment: The c.1427_1428del variant in DNAH5 is a frameshift variant predicted to shift the reading frame beginning at codon 476 and leads to a stop codon 26 codons downstream. This variant is expected to result in nonsense mediated decay, truncation, or a dysfunctional protein product. This variant is rare in the general population with a frequency below the threshold expected for the associated phenotype(s). This variant has been observed in one or more individuals affected with the associated recessive disease, as either homozygous or compound heterozygous with a second variant (PMID: 25066065). Given the available evidence, this variant is classified as Pathogenic.

Blueprint Genetics
Classification: Pathogenic for DNAH5-related disorders. Last evaluated: 2024-11-11. Review status: criteria provided, single submitter. Criteria: ACMG Guidelines, 2015. Collection method: clinical testing. Allele origin: germline. Affected: yes. Observed: 3 variant alleles.

Labcorp Genetics (formerly Invitae), Labcorp
Classification: Pathogenic for Primary ciliary dyskinesia. Last evaluated: 2023-11-09. Review status: criteria provided, single submitter. Criteria: Invitae Variant Classification Sherloc (09022015). Collection method: clinical testing. Allele origin: germline.
Comment: This sequence change creates a premature translational stop signal (p.Phe476Serfs*26) in the DNAH5 gene. It is expected to result in an absent or disrupted protein product. Loss-of-function variants in DNAH5 are known to be pathogenic (PMID: 11788826, 16627867). This variant is present in population databases (rs774493427, gnomAD 0.002%). This premature translational stop signal has been observed in individual(s) with clinical features of primary ciliary dyskinesia (PMID: 16627867, 25066065). This variant is also known as 1426_1427del. ClinVar contains an entry for this variant (Variation ID: 555559). For these reasons, this variant has been classified as Pathogenic.

Laboratory for Molecular Medicine, Mass General Brigham Personalized Medicine
Classification: Pathogenic for Primary ciliary dyskinesia. Last evaluated: 2019-04-25. Review status: criteria provided, single submitter. Criteria: LMM Criteria. Collection method: clinical testing. Allele origin: germline. Inheritance: Autosomal recessive inheritance. Observed: 1 variant allele.
Comment: The p.Phe476SerfsX26 variant in DNAH5 has been reported in the heterozygous state in 1 individual with primary ciliary dyskinesia and in the hemizygous state in 1 individual with Cri-du-Chat syndrome and features of primary ciliary dyskinesia who had a 5p13 deletion on the other allele (Hornef 2006, Shapiro 2014). It has also been identified in 0.002% (2/113524) of European chromosomes by gnomAD and has been reported as likely pathogenic in ClinVar (Variation ID 55559). This variant is predicted to cause a frameshift, which alters the proteinâ€™s amino acid sequence beginning at position 476 and leads to a premature termination codon 26 amino acids downstream. This alteration is then predicted to lead to a truncated or absent protein. Loss of function of the DNAH5 gene is an established disease mechanism in autosomal recessive primary ciliary dyskinesia. In summary, although additional studies are required to fully establish its clinical significance, this variant meets criteria to be classified as likely pathogenic for autosomal recessive primary ciliary dyskinesia. ACMG/AMP Criteria applied: PVS1, PM2, PM3_Supporting.

Counsyl
Classification: Likely pathogenic for Primary ciliary dyskinesia 3. Last evaluated: 2017-12-12. Review status: no assertion criteria provided. Collection method: clinical testing. Allele origin: unknown. Not counted in ClinVar's aggregate classification.

Literature cited by the submitters: PubMed 25066065 (cited by 4 submitters); PubMed 11788826 (cited by Labcorp Genetics (formerly Invitae), Labcorp); PubMed 16627867 (cited by 3 submitters); PubMed 19357118 (cited by Laboratory for Molecular Medicine, Mass General Brigham Personalized Medicine); PubMed 17534128 (cited by Laboratory for Molecular Medicine, Mass General Brigham Personalized Medicine).

NM_001369.3(DNAH5):c.1427_1428del (p.Phe476fs)

Gene: DNAH5 (dynein axonemal heavy chain 5; minus strand). Cytogenetic location: 5p15.2.
Variant type: Deletion.
Coding change: c.1427_1428del on transcript NM_001369.3 (MANE Select); coding-DNA positions 1427 to 1428, 2 bases deleted (TT; older notation c.1427_1428delTT).
Protein change: p.Phe476fs; shifts the reading frame from phenylalanine 476.
Molecular consequence: frameshift variant.
Genome position (GRCh38, 1-based): chr5:13,913,851-13,913,852, AA deleted on the plus strand (TT on the coding strand, the reverse complement: DNAH5 is on the minus strand); deleting any 2 consecutive bases within chr5:13,913,851-13,913,854 gives the same sequence; the c. name uses the placement nearest the transcript's 3' end. VCF-style (leftmost placement, unchanged base first): chr5-13913850-GAA-G. GRCh37 (hg19) VCF-style: chr5-13913959-GAA-G.
Other names: c.1427_1428delTT (NM_001369.2); short protein forms F476fs.
Identifiers: ClinVar variation 555559 (VCV000555559.18), dbSNP rs774493427, ClinGen allele CA3204857.